The following is an entry in ClinVar:

NM_001961.4(EEF2):c.164G>A (p.Arg55His)

Gene: EEF2 (eukaryotic translation elongation factor 2; minus strand). Cytogenetic location: 19p13.3.
Variant type: single nucleotide variant.
Coding change: c.164G>A on transcript NM_001961.4 (MANE Select); coding-DNA position 164, G replaced by A.
Protein change: p.Arg55His; replaces arginine 55 with histidine.
Molecular consequence: missense variant.
Genome position (GRCh38, 1-based): chr19:3,984,190, C>T on the plus strand (G>A on the coding strand, the complement: EEF2 is on the minus strand). VCF-style: chr19-3984190-C-T. GRCh37 (hg19) VCF-style: chr19-3984188-C-T.
Other names: short protein forms R55H.
Identifiers: ClinVar variation 2010407 (VCV002010407.4), dbSNP rs2512208374, ClinGen allele CA403395530.
Genomic context (GRCh38, chr19:3,984,190, plus strand): 5'-GCTCACGTTGACTTGATGGTGATGCAACGCTCCTGCTCGTCCTTCCGGGTATCAGTGAAG[C>T]GTGTCTCCCCGGCCCGGGCCGAGGCGATGATGCCCGCCTTGCACACCAGGGAGTCTGTCA-3'
Protein context (NP_001952.1, residues 45-65): IIASARAGET[Arg55His]FTDTRKDEQE

ClinVar aggregate classification (germline): Uncertain significance (1 of 4 stars; one submission).

Allele frequency attached by ClinVar (database versions not stated): gnomAD exomes below 0.00001.
gnomAD v4.1: 1 of 1,614,080 alleles (0.000062%); highest among the groups gnomAD compares: South Asian, 0.0011%; no homozygotes.

Submission:

Labcorp Genetics (formerly Invitae), Labcorp
Classification: Uncertain significance. Last evaluated: 2022-06-30. Review status: criteria provided, single submitter. Criteria: Invitae Variant Classification Sherloc (09022015). Collection method: clinical testing. Allele origin: germline.
Comment: In summary, the available evidence is currently insufficient to determine the role of this variant in disease. Therefore, it has been classified as a Variant of Uncertain Significance. Algorithms developed to predict the effect of missense changes on protein structure and function are either unavailable or do not agree on the potential impact of this missense change (SIFT: "Deleterious"; PolyPhen-2: "Benign"; Align-GVGD: "Class C25"). This variant has not been reported in the literature in individuals affected with EEF2-related conditions. This variant is not present in population databases (gnomAD no frequency). This sequence change replaces arginine, which is basic and polar, with histidine, which is basic and polar, at codon 55 of the EEF2 protein (p.Arg55His).